The following is an entry in ClinVar:

ClinVar aggregate classification (germline): Uncertain significance. Review status: criteria provided, multiple submitters, no conflicts (2 of 4 stars). 3 submissions from 3 submitters: Uncertain significance (3). Last evaluated 2024-08-07.

Conditions:
Hereditary cancer-predisposing syndrome. Also called: Hereditary neoplastic syndrome; Tumor predisposition; Neoplastic Syndromes, Hereditary; Hereditary Cancer Syndrome. Identifiers: Orphanet 140162, MedGen C0027672, MeSH D009386, MONDO:0015356.
Isolated focal cortical dysplasia type II (FCORD2). Also called: CORTICAL DYSPLASIA OF TAYLOR; Focal cortical dysplasia type II. Identifiers: Orphanet 268994, MedGen C1846385, MONDO:0011818, OMIM 607341, HP:0032051.
Tuberous sclerosis 1 (TSC1). Identifiers: Orphanet 805, MedGen C1854465, MONDO:0008612, OMIM 191100.

Submissions (3):

Ambry Genetics
Classification: Uncertain significance for Hereditary cancer-predisposing syndrome. Last evaluated: 2024-08-07. Review status: criteria provided, single submitter. Criteria: Ambry Variant Classification Scheme 2023. Collection method: clinical testing. Allele origin: germline.
Comment: The p.G382D variant (also known as c.1145G>A), located in coding exon 10 of the TSC1 gene, results from a G to A substitution at nucleotide position 1145. The glycine at codon 382 is replaced by aspartic acid, an amino acid with similar properties. This amino acid position is conserved. In addition, the in silico prediction for this alteration is inconclusive. Based on the available evidence, the clinical significance of this variant remains unclear.

Labcorp Genetics (formerly Invitae), Labcorp
Classification: Uncertain significance for Tuberous sclerosis 1. Last evaluated: 2024-07-17. Review status: criteria provided, single submitter. Criteria: Invitae Variant Classification Sherloc (09022015). Collection method: clinical testing. Allele origin: germline.
Comment: This sequence change replaces glycine, which is neutral and non-polar, with aspartic acid, which is acidic and polar, at codon 382 of the TSC1 protein (p.Gly382Asp). This variant is not present in population databases (gnomAD no frequency). This variant has not been reported in the literature in individuals affected with TSC1-related conditions. ClinVar contains an entry for this variant (Variation ID: 1482132). Advanced modeling of protein sequence and biophysical properties (such as structural, functional, and spatial information, amino acid conservation, physicochemical variation, residue mobility, and thermodynamic stability) performed at Invitae indicates that this missense variant is not expected to disrupt TSC1 protein function with a negative predictive value of 95%. RNA analysis performed to evaluate the impact of this missense change on mRNA splicing indicates it does not significantly alter splicing (Invitae). In summary, the available evidence is currently insufficient to determine the role of this variant in disease. Therefore, it has been classified as a Variant of Uncertain Significance.

Baylor Genetics
Classification: Uncertain significance for Isolated focal cortical dysplasia type II. Last evaluated: 2023-06-02. Review status: criteria provided, single submitter. Criteria: ACMG Guidelines, 2015. Collection method: clinical testing. Allele origin: unknown.

NM_000368.5(TSC1):c.1145G>A (p.Gly382Asp)

Gene: TSC1 (TSC complex subunit 1; minus strand). Cytogenetic location: 9q34.13.
Variant type: single nucleotide variant.
Coding change: c.1145G>A on transcript NM_000368.5 (MANE Select); coding-DNA position 1145, G replaced by A.
Protein change: p.Gly382Asp; replaces glycine 382 with aspartic acid.
Molecular consequence: missense variant.
Genome position (GRCh38, 1-based): chr9:132,910,689, C>T on the plus strand (G>A on the coding strand, the complement: TSC1 is on the minus strand). VCF-style: chr9-132910689-C-T. GRCh37 (hg19) VCF-style: chr9-135786076-C-T.
Other names: c.1142G>A, p.Gly381Asp (NM_001162426.2); c.992G>A, p.Gly331Asp (NM_001162427.2); c.782G>A, p.Gly261Asp (NM_001362177.2); c.1145G>A (NM_000368.4); short protein forms G261D, G381D, G382D, G331D.
Identifiers: ClinVar variation 1482132 (VCV001482132.10), dbSNP rs1460150475, ClinGen allele CA375367226.